The following is an entry in ClinVar:

ClinVar aggregate classification (germline): Pathogenic. Review status: criteria provided, single submitter (1 of 4 stars). 2 submissions from 2 submitters: Pathogenic (1). 1 of the submissions does not count toward it. Last evaluated 2025-02-27.

Conditions:
Primary pulmonary hypertension. Also called: Idiopathic pulmonary hypertension. Identifiers: MedGen C0152171.
Pulmonary hypertension, primary, 1 (PPH1). Also called: Pulmonary hypertension, familial primary, 1, with or without HHT. Identifiers: Orphanet 422, MedGen C4552070, MONDO:0024533, OMIM 178600.

gnomAD v4.1: 1 of 1,613,728 alleles (0.000062%); no homozygotes.

Submissions (2):

Labcorp Genetics (formerly Invitae), Labcorp
Classification: Pathogenic for Primary pulmonary hypertension. Last evaluated: 2025-02-27. Review status: criteria provided, single submitter. Criteria: Invitae Variant Classification Sherloc (09022015). Collection method: clinical testing. Allele origin: germline.
Comment: This sequence change falls in intron 8 of the BMPR2 gene. It does not directly change the encoded amino acid sequence of the BMPR2 protein. RNA analysis indicates that this variant induces altered splicing and may result in an absent or altered protein product. This variant is present in population databases (no rsID available, gnomAD 0.01%). This variant has been observed in individuals with pulmonary hypertension (PMID: 11115378, 16717148, 19206171, 21737554). ClinVar contains an entry for this variant (Variation ID: 425878). Variants that disrupt the consensus splice site are a relatively common cause of aberrant splicing (PMID: 17576681, 9536098). Studies have shown that this variant results in skipping of exon 9, and produces a non-functional protein and/or introduces a premature termination codon (PMID: 19206171). For these reasons, this variant has been classified as Pathogenic.

Rare Disease Genomics Group, St George's University of London
Classification: Pathogenic for Primary pulmonary hypertension. Review status: no assertion criteria provided. Collection method: literature only. Allele origin: germline. Affected: yes. Not counted in ClinVar's aggregate classification.

Literature cited by the submitters: PubMed 11115378 (cited by Labcorp Genetics (formerly Invitae), Labcorp and Rare Disease Genomics Group, St George's University of London); PubMed 16717148 (cited by Labcorp Genetics (formerly Invitae), Labcorp and Rare Disease Genomics Group, St George's University of London); PubMed 19206171 (cited by Labcorp Genetics (formerly Invitae), Labcorp); PubMed 21737554 (cited by Labcorp Genetics (formerly Invitae), Labcorp and Rare Disease Genomics Group, St George's University of London); PubMed 17576681 (cited by Labcorp Genetics (formerly Invitae), Labcorp); PubMed 9536098 (cited by Labcorp Genetics (formerly Invitae), Labcorp); PubMed 16429395 (cited by Rare Disease Genomics Group, St George's University of London).

NM_001204.7(BMPR2):c.1129-3C>G

Gene: BMPR2 (bone morphogenetic protein receptor type 2; plus strand). Cytogenetic location: 2q33.2.
Variant type: single nucleotide variant.
Coding change: c.1129-3C>G on transcript NM_001204.7 (MANE Select); 3 bases into the intron before coding-DNA position 1129, C replaced by G.
Molecular consequence: intron variant.
Genome position (GRCh38, 1-based): chr2:202,532,582, C>G. VCF-style: chr2-202532582-C-G. GRCh37 (hg19) VCF-style: chr2-203397305-C-G.
Other names: c.1129-3C>G (LRG_712t1).
Identifiers: ClinVar variation 425878 (VCV000425878.9), dbSNP rs748230358, ClinGen allele CA538975626.